The following is an entry in ClinVar:

NM_000222.3(KIT):c.303C>G (p.His101Gln)

Gene: KIT (KIT proto-oncogene, receptor tyrosine kinase; plus strand). Cytogenetic location: 4q12.
Variant type: single nucleotide variant.
Coding change: c.303C>G on transcript NM_000222.3 (MANE Select); coding-DNA position 303, C replaced by G.
Protein change: p.His101Gln; replaces histidine 101 with glutamine.
Molecular consequence: missense variant.
Genome position (GRCh38, 1-based): chr4:54,695,747, C>G. VCF-style: chr4-54695747-C-G. GRCh37 (hg19) VCF-style: chr4-55561913-C-G.
Other names: c.303C>G, p.His101Gln (NM_001093772.2, NM_001385284.1, NM_001385285.1 and 4 more transcripts); short protein forms H101Q.
Identifiers: ClinVar variation 1022233 (VCV001022233.16), dbSNP rs145333060, ClinGen allele CA356897285.

ClinVar aggregate classification (germline): Uncertain significance (1 of 4 stars; one submission).

Conditions:
Gastrointestinal stromal tumor. Also called: Gastrointestinal stromal tumor, somatic; Gastrointestinal stroma tumor. Identifiers: Orphanet 44890, MedGen C0238198, MeSH D046152, MONDO:0011719, OMIM 606764, HP:0100723.

gnomAD v4.1: 2 of 1,614,214 alleles (0.00012%); highest among the groups gnomAD compares: Non-Finnish European, 0.00017%; no homozygotes.

Submission:

Labcorp Genetics (formerly Invitae), Labcorp
Classification: Uncertain significance for Gastrointestinal stromal tumor. Last evaluated: 2024-11-11. Review status: criteria provided, single submitter. Criteria: Invitae Variant Classification Sherloc (09022015). Collection method: clinical testing. Allele origin: germline.
Comment: This sequence change replaces histidine, which is basic and polar, with glutamine, which is neutral and polar, at codon 101 of the KIT protein (p.His101Gln). This variant is not present in population databases (gnomAD no frequency). This variant has not been reported in the literature in individuals affected with KIT-related conditions. ClinVar contains an entry for this variant (Variation ID: 1022233). An algorithm developed to predict the effect of missense changes on protein structure and function (PolyPhen-2) suggests that this variant is likely to be tolerated. In summary, the available evidence is currently insufficient to determine the role of this variant in disease. Therefore, it has been classified as a Variant of Uncertain Significance.